The following is an entry in ClinVar:

NM_133433.4(NIPBL):c.3937A>C (p.Thr1313Pro)

Gene: NIPBL (NIPBL cohesin loading factor; plus strand). Cytogenetic location: 5p13.2.
Variant type: single nucleotide variant.
Coding change: c.3937A>C on transcript NM_133433.4 (MANE Select); coding-DNA position 3937, A replaced by C.
Protein change: p.Thr1313Pro; replaces threonine 1313 with proline.
Molecular consequence: missense variant.
Genome position (GRCh38, 1-based): chr5:37,006,438, A>C. VCF-style: chr5-37006438-A-C. GRCh37 (hg19) VCF-style: chr5-37006540-A-C.
Other names: c.3937A>C, p.Thr1313Pro (NM_015384.5); short protein forms T1313P.
Identifiers: ClinVar variation 2572011 (VCV002572011.2), dbSNP rs769095978, ClinGen allele CA359523883.

ClinVar aggregate classification (germline): Likely pathogenic (1 of 4 stars; one submission).

Conditions:
Cornelia de Lange syndrome 1 (CDLS1). Also called: Brachmann de Lange syndrome; NIPBL-Related Cornelia de Lange Syndrome; TYPUS DEGENERATIVUS AMSTELODAMENSIS. Identifiers: Orphanet 199, MedGen C4551851, MONDO:0007387, OMIM 122470.

Submission:

Department of Medical Genetics, National Institute of Health
Classification: Likely pathogenic for Cornelia de Lange syndrome 1. Review status: criteria provided, single submitter. Criteria: ACMG Guidelines, 2015. Collection method: clinical testing. Allele origin: unknown. Inheritance: Autosomal dominant inheritance. Affected: yes. Observed: 1 hemizygote.
Comment: It is classified as Likely pathogenic according to the ACMG guidelines by complying with the PM1, PM5, PP3 and PM2 criteria. Hence, this variant is associated with the phenotype in our patient and must be classified as pathogenic.